The following is an entry in ClinVar:

ClinVar aggregate classification (germline): Pathogenic (1 of 4 stars; one submission).

Conditions:
Polycystic kidney disease 4 (PKD4). Also called: PKD3; Autosomal Recessive Polycystic Kidney Disease – PKHD1; POLYCYSTIC KIDNEY AND HEPATIC DISEASE 1; POLYCYSTIC KIDNEY DISEASE, INFANTILE, TYPE I; POLYCYSTIC KIDNEY DISEASE 4 WITH OR WITHOUT POLYCYSTIC LIVER DISEASE. Identifiers: MedGen C4540575, MONDO:0033004, OMIM 263200.

Submission:

Myriad Genetics, Inc.
Classification: Pathogenic for Polycystic kidney disease 4. Last evaluated: 2025-08-02. Review status: criteria provided, single submitter. Criteria: Myriad Autosomal Dominant, Autosomal Recessive and X-Linked Classification Criteria (2023). Collection method: clinical testing. Allele origin: unknown.
Comment: NM_138694.3(PKHD1):c.5749_5750dupCA(Q1917Hfs*58) is expected to be pathogenic in the context of autosomal recessive polycystic kidney disease, PKHD1-related. This variant is predicted to lead to an abnormal or absent protein product due to the creation of a premature termination codon in PKHD1, a gene where loss-of-function variants are known to be pathogenic. Please note: this variant was assessed in the context of healthy population screening.

NM_138694.4(PKHD1):c.5749_5750dup (p.Gln1917fs)

Gene: PKHD1 (PKHD1 ciliary IPT domain containing fibrocystin/polyductin; minus strand). Cytogenetic location: 6p12.2.
Variant type: Duplication.
Coding change: c.5749_5750dup on transcript NM_138694.4 (MANE Select); coding-DNA positions 5749 to 5750, 2 bases duplicated (CA; older notation c.5749_5750dupCA).
Protein change: p.Gln1917fs; shifts the reading frame from glutamine 1917.
Molecular consequence: frameshift variant.
Genome position (GRCh38, 1-based): chr6:52,010,310-52,010,311, TG duplicated on the plus strand (CA on the coding strand, the reverse complement: PKHD1 is on the minus strand). VCF-style (leftmost placement, unchanged base first): chr6-52010309-C-CTG. GRCh37 (hg19) VCF-style: chr6-51875107-C-CTG.
Other names: c.5749_5750dup, p.Gln1917fs (NM_170724.3); short protein forms Q1917fs.
Identifiers: ClinVar variation 5014806 (VCV005014806.1).
Genomic context (GRCh38, chr6:52,010,309, plus strand): 5'-CAATATTACAAATTTAATTTGAGCTGTTTGAATCAGTCTGTAAAAAAGATTTGATTATAC[C>CTG]TGAGTGTTCTGGCCCCAGCGTTTCCGTATCTCAGTAATCTTGACGGTAATTGGCTGATTG-3'